The following is an entry in ClinVar:

ClinVar aggregate classification (germline): Conflicting classifications of pathogenicity. Review status: criteria provided, conflicting classifications (1 of 4 stars). 9 submissions from 9 submitters: Uncertain significance (1); Benign (2); Likely benign (5). 1 of the submissions does not count toward it. Last evaluated 2026-08-01.

Conditions:
ATP6V0A2-related disorder. Also called: ATP6V0A2-related condition.
ALG9 congenital disorder of glycosylation (CDG1L). Also called: CONGENITAL DISORDER OF GLYCOSYLATION, TYPE Il; CDG Il; ALG9-CDG. Identifiers: Orphanet 79328, MedGen C2931006, MONDO:0012117, OMIM 608776.
Cutis laxa with osteodystrophy (ARCL2A). Also called: CUTIS LAXA WITH CONGENITAL DISORDER OF GLYCOSYLATION; Debré-Type Cutis Laxa; CUTIS LAXA, AUTOSOMAL RECESSIVE, TYPE IIA; CUTIS LAXA WITH BONE DYSTROPHY; CUTIS LAXA WITH GROWTH AND DEVELOPMENTAL DELAY; CUTIS LAXA WITH JOINT LAXITY AND RETARDED DEVELOPMENT. Identifiers: Orphanet 357058, MedGen C0268355, MONDO:0018163, OMIM 219200. Disease mechanism: loss of function.

Allele frequency attached by ClinVar (database versions not stated): gnomAD 0.00148 and 0.00150; TOPMed 0.00150; ExAC 0.00154; gnomAD exomes 0.00157 and 0.00170; ESP Exome Variant Server 0.00177; 1000 Genomes Project 30x 0.00047; 1000 Genomes Project 0.00060.
gnomAD v4.1: 2,729 of 1,614,160 alleles (0.17%); highest among the groups gnomAD compares: Middle Eastern, 0.69%; 5 homozygotes.

Submissions (10):

CeGaT Center for Human Genetics Tuebingen
Classification: Likely benign. Last evaluated: 2026-08-01. Review status: criteria provided, single submitter. Criteria: CeGaT Center For Human Genetics Tuebingen Variant Classification Criteria Version 2. Collection method: clinical testing. Allele origin: germline. Affected: yes. Observed: 8 variant alleles.
Comment: ATP6V0A2: BP4, BS2

Labcorp Genetics (formerly Invitae), Labcorp
Classification: Benign for ALG9 congenital disorder of glycosylation. Last evaluated: 2026-02-04. Review status: criteria provided, single submitter. Criteria: Invitae Variant Classification Sherloc (09022015). Collection method: clinical testing. Allele origin: germline.

Blueprint Genetics
Classification: Likely benign. Last evaluated: 2024-11-26. Review status: criteria provided, single submitter. Criteria: ACMG Guidelines, 2015. Collection method: clinical testing. Allele origin: germline.

GeneDx
Classification: Likely benign. Last evaluated: 2021-10-18. Review status: criteria provided, single submitter. Criteria: GeneDx Variant Classification Process June 2021. Collection method: clinical testing. Allele origin: germline. Affected: yes.

Genetic Services Laboratory, University of Chicago
Classification: Likely benign. Last evaluated: 2019-01-18. Review status: criteria provided, single submitter. Criteria: ACMG Guidelines, 2015. Collection method: clinical testing. Allele origin: germline. Affected: no.

Illumina Laboratory Services, Illumina
Classification: Uncertain significance for Cutis laxa with osteodystrophy. Last evaluated: 2018-01-13. Review status: criteria provided, single submitter. Criteria: ICSL Variant Classification Criteria 13 December 2019. Collection method: clinical testing. Allele origin: germline.

Athena Diagnostics
Classification: Benign. Last evaluated: 2017-02-03. Review status: criteria provided, single submitter. Criteria: Athena Diagnostics Criteria. Collection method: clinical testing. Allele origin: germline.

Eurofins Ntd Llc (ga)
Classification: Likely benign. Last evaluated: 2016-01-08. Review status: criteria provided, single submitter. Criteria: EGL Classification Definitions 2015. Collection method: clinical testing. Allele origin: germline. Observed: 1 variant allele, 1 heterozygote.

PreventionGenetics, part of Exact Sciences
Classification: Likely benign for ATP6V0A2-related condition. Last evaluated: 2020-01-14. Review status: no assertion criteria provided. Collection method: clinical testing. Allele origin: germline. Not counted in ClinVar's aggregate classification.
Comment: This variant is classified as likely benign based on ACMG/AMP sequence variant interpretation guidelines (Richards et al. 2015 PMID: 25741868, with internal and published modifications).

Dr. Peter K. Rogan Lab, Western University
No classification provided (evidence only). Condition: Malignant tumor of urinary bladder. Review status: no classification provided. Collection method: in vitro. Allele origin: not applicable. Functional consequence: retained intron. Not counted in ClinVar's aggregate classification.

NM_012463.4(ATP6V0A2):c.2238C>T (p.Cys746=)

Gene: ATP6V0A2 (ATPase H+ transporting V0 subunit a2; plus strand). Cytogenetic location: 12q24.31.
Variant type: single nucleotide variant.
Coding change: c.2238C>T on transcript NM_012463.4 (MANE Select); coding-DNA position 2238, C replaced by T.
Protein change: p.Cys746=; no amino-acid change (cysteine 746 retained).
Molecular consequence: synonymous variant.
Genome position (GRCh38, 1-based): chr12:123,754,482, C>T. VCF-style: chr12-123754482-C-T. GRCh37 (hg19) VCF-style: chr12-124239029-C-T.
Identifiers: ClinVar variation 210384 (VCV000210384.69), dbSNP rs138886791, ClinGen allele CA209642.